The following is an entry in ClinVar:

NC_000016.9:g.(?_68820946)_(68842761_?)del

Gene: CDH1 (cadherin 1; plus strand). Cytogenetic location: 16q22.1.
Variant type: Deletion.
Identifiers: ClinVar variation 1071177 (VCV001071177.6).

ClinVar aggregate classification (germline): Pathogenic (1 of 4 stars; one submission).

Conditions:
Hereditary diffuse gastric adenocarcinoma (HDGC). Also called: DIFFUSE GASTRIC AND LOBULAR BREAST CANCER SYNDROME. Identifiers: Orphanet 26106, MedGen C1708349, MONDO:0007648, OMIM 137215.

Submission:

Labcorp Genetics (formerly Invitae), Labcorp
Classification: Pathogenic for Hereditary diffuse gastric adenocarcinoma. Last evaluated: 2023-07-07. Review status: criteria provided, single submitter. Criteria: Invitae Variant Classification Sherloc (09022015). Collection method: clinical testing. Allele origin: germline.
Comment: This variant is a gross deletion of the genomic region encompassing exon(s) 3-5 of the CDH1 gene. This deletion is out-of-frame, and is expected to create a premature termination codon and result in an absent or disrupted protein product. Loss-of-function variants in CDH1 are known to be pathogenic (PMID: 15235021, 20373070). This variant has not been reported in the literature in individuals affected with CDH1-related conditions. For these reasons, this variant has been classified as Pathogenic.

Literature cited by the submitters: PubMed 15235021; PubMed 20373070.